The following is an entry in ClinVar:

ClinVar aggregate classification (germline): Uncertain significance (1 of 4 stars; one submission).

Conditions:
Leber congenital amaurosis 8 (LCA8). Identifiers: Orphanet 65, MedGen C3151202, MONDO:0013453, OMIM 613835.
Retinitis pigmentosa 12 (RP12). Also called: RP WITH OR WITHOUT PPRPE; RP WITH OR WITHOUT PRESERVED PARAARTERIOLE RETINAL PIGMENT EPITHELIUM; RETINITIS PIGMENTOSA WITH OR WITHOUT PARAARTERIOLAR PRESERVATION OF RETINAL PIGMENT EPITHELIUM. Identifiers: Orphanet 791, MedGen C1838647, MONDO:0010818, OMIM 600105.

Submission:

Labcorp Genetics (formerly Invitae), Labcorp
Classification: Uncertain significance for Leber congenital amaurosis 8; Retinitis pigmentosa 12. Last evaluated: 2022-11-08. Review status: criteria provided, single submitter. Criteria: Invitae Variant Classification Sherloc (09022015). Collection method: clinical testing. Allele origin: germline.
Comment: In summary, the available evidence is currently insufficient to determine the role of this variant in disease. Therefore, it has been classified as a Variant of Uncertain Significance. Algorithms developed to predict the effect of missense changes on protein structure and function output the following: SIFT: "Tolerated"; PolyPhen-2: "Benign"; Align-GVGD: "Class C0". The alanine amino acid residue is found in multiple mammalian species, which suggests that this missense change does not adversely affect protein function. This variant has not been reported in the literature in individuals affected with CRB1-related conditions. This variant is not present in population databases (gnomAD no frequency). This sequence change replaces glutamic acid, which is acidic and polar, with alanine, which is neutral and non-polar, at codon 1387 of the CRB1 protein (p.Glu1387Ala).

NM_201253.3(CRB1):c.4160A>C (p.Glu1387Ala)

Gene: CRB1 (crumbs cell polarity complex component 1; plus strand). Cytogenetic location: 1q31.3.
Variant type: single nucleotide variant.
Coding change: c.4160A>C on transcript NM_201253.3 (MANE Select); coding-DNA position 4160, A replaced by C.
Protein change: p.Glu1387Ala; replaces glutamic acid 1387 with alanine.
Molecular consequence: missense variant. On other transcripts: non-coding transcript variant (2).
Genome position (GRCh38, 1-based): chr1:197,477,818, A>C. VCF-style: chr1-197477818-A-C. GRCh37 (hg19) VCF-style: chr1-197446948-A-C.
Other names: c.3824A>C, p.Glu1275Ala (NM_001193640.2); c.4088A>C, p.Glu1363Ala (NM_001257965.2); c.2552A>C, p.Glu851Ala (NM_001257966.2); short protein forms E1363A, E851A, E1275A, E1387A.
Identifiers: ClinVar variation 2131958 (VCV002131958.4), dbSNP rs2528461626, ClinGen allele CA344035869.